The following is an entry in ClinVar:

ClinVar aggregate classification (germline): Uncertain significance (1 of 4 stars; one submission).

Allele frequency attached by ClinVar (database versions not stated): gnomAD exomes 0.00003 and 0.00005; TOPMed 0.00004; ExAC 0.00005; gnomAD 0.00005; 1000 Genomes Project 30x 0.00016; 1000 Genomes Project 0.00020.
gnomAD v4.1: 50 of 1,612,462 alleles (0.0031%); highest among the groups gnomAD compares: Middle Eastern, 0.017%; no homozygotes.

Submission:

Labcorp Genetics (formerly Invitae), Labcorp
Classification: Uncertain significance. Last evaluated: 2024-02-24. Review status: criteria provided, single submitter. Criteria: Invitae Variant Classification Sherloc (09022015). Collection method: clinical testing. Allele origin: germline.
Comment: This sequence change replaces threonine, which is neutral and polar, with methionine, which is neutral and non-polar, at codon 558 of the MTHFD1 protein (p.Thr558Met). This variant is present in population databases (rs540154396, gnomAD 0.02%). This variant has not been reported in the literature in individuals affected with MTHFD1-related conditions. ClinVar contains an entry for this variant (Variation ID: 1443963). Algorithms developed to predict the effect of missense changes on protein structure and function output the following: SIFT: "Not Available"; PolyPhen-2: "Benign"; Align-GVGD: "Not Available". The methionine amino acid residue is found in multiple mammalian species, which suggests that this missense change does not adversely affect protein function. In summary, the available evidence is currently insufficient to determine the role of this variant in disease. Therefore, it has been classified as a Variant of Uncertain Significance.

NM_005956.4(MTHFD1):c.1673C>T (p.Thr558Met)

Gene: MTHFD1 (methylenetetrahydrofolate dehydrogenase, cyclohydrolase and formyltetrahydrofolate synthetase 1; plus strand). Cytogenetic location: 14q23.3.
Variant type: single nucleotide variant.
Coding change: c.1673C>T on transcript NM_005956.4 (MANE Select); coding-DNA position 1673, C replaced by T.
Protein change: p.Thr558Met; replaces threonine 558 with methionine.
Molecular consequence: missense variant.
Genome position (GRCh38, 1-based): chr14:64,439,171, C>T. VCF-style: chr14-64439171-C-T. GRCh37 (hg19) VCF-style: chr14-64905889-C-T.
Other names: c.1673C>T, p.Thr558Met (NM_001364837.1); short protein forms T558M.
Identifiers: ClinVar variation 1443963 (VCV001443963.4), dbSNP rs540154396, ClinGen allele CA7226323.